The following is an entry in ClinVar:

ClinVar aggregate classification (germline): Pathogenic. Review status: criteria provided, multiple submitters, no conflicts (2 of 4 stars). 2 submissions from 2 submitters: Pathogenic (2). Last evaluated 2026-01-20.

Conditions:
Bartter disease type 3. Also called: Bartter syndrome type 3. Identifiers: Orphanet 112, Orphanet 93605, MedGen C1846343, MONDO:0011822, OMIM 607364.

Submissions (2):

Labcorp Genetics (formerly Invitae), Labcorp
Classification: Pathogenic. Last evaluated: 2026-01-20. Review status: criteria provided, single submitter. Criteria: Invitae Variant Classification Sherloc (09022015). Collection method: clinical testing. Allele origin: germline.
Comment: This sequence change creates a premature translational stop signal (p.Val207Trpfs*142) in the CLCNKB gene. It is expected to result in an absent or disrupted protein product. Loss-of-function variants in CLCNKB are known to be pathogenic (PMID: 24830959, 26920127, 28381550, 29254190). This variant is present in population databases (no rsID available, gnomAD 0.003%). This variant has not been reported in the literature in individuals affected with CLCNKB-related conditions. ClinVar contains an entry for this variant (Variation ID: 1805279). For these reasons, this variant has been classified as Pathogenic.

Victorian Clinical Genetics Services, Murdoch Childrens Research Institute
Classification: Pathogenic for Bartter disease type 3. Last evaluated: 2025-08-11. Review status: criteria provided, single submitter. Criteria: ACMG Guidelines, 2015. Collection method: clinical testing. Allele origin: germline. Affected: yes.
Comment: This variant is classified as Pathogenic. Evidence in support of pathogenic classification: Variant is predicted to cause nonsense-mediated decay (NMD) and loss of protein (premature termination codon is located at least 54 nucleotides upstream of the final exon-exon junction); Variant is present in gnomAD <0.01 for a recessive condition (v2: 1 heterozygote(s), 0 homozygote(s)); Other NMD-predicted variants comparable to the one identified in this case have very strong previous evidence for pathogenicity (ClinVar, DECIPHER). Additional information: This variant is heterozygous; This gene is associated with autosomal recessive disease; This variant has no previous evidence of pathogenicity; No published evidence of segregation with disease has been identified for this variant; No published functional evidence has been identified for this variant; Loss of function is a known mechanism of disease in this gene and is associated with Bartter syndrome, type 3, (MIM#607364), and Bartter syndrome, type 4b, digenic (MIM#613090).

Literature cited by the submitters: PubMed 24830959 (cited by Labcorp Genetics (formerly Invitae), Labcorp); PubMed 26920127 (cited by Labcorp Genetics (formerly Invitae), Labcorp); PubMed 28381550 (cited by Labcorp Genetics (formerly Invitae), Labcorp); PubMed 29254190 (cited by Labcorp Genetics (formerly Invitae), Labcorp).

NM_000085.5(CLCNKB):c.619del (p.Val207fs)

Genes: CLCNKB (chloride voltage-gated channel Kb; plus strand), LOC106501713 (CLCNKB recombination region; plus strand). Cytogenetic location: 1p36.13.
Variant type: Deletion.
Coding change: c.619del on transcript NM_000085.5 (MANE Select); coding-DNA position 619, one base deleted (G; older notation c.619delG).
Protein change: p.Val207fs; shifts the reading frame from valine 207.
Molecular consequence: frameshift variant.
Genome position (GRCh38, 1-based): chr1:16,048,546, G deleted. VCF-style (leftmost placement, unchanged base first): chr1-16048545-AG-A. GRCh37 (hg19) VCF-style: chr1-16375040-AG-A.
Other names: short protein forms V207fs.
Identifiers: ClinVar variation 1805279 (VCV001805279.4), dbSNP rs1557468189, ClinGen allele CA521460322.
Genomic context (GRCh38, chr1:16,048,545, plus strand): 5'-CTGGACTCGGATCCCCCAGAACAAGAGCAAGCAAAACGAAATGCTGGTGGCAGCGGCGGC[AG>A]TGGGCGTGGCCACAGTCTTTGCAGCTCCCTTCAGCGGTGAGACCCCTTCATGCCCCGCCC-3'